The following is an entry in ClinVar:

ClinVar aggregate classification (germline): Uncertain significance (1 of 4 stars; one submission).

Conditions:
Cardiovascular phenotype. Identifiers: MedGen CN230736.
Hereditary cancer-predisposing syndrome. Also called: Hereditary Cancer Syndrome; Hereditary neoplastic syndrome; Neoplastic Syndromes, Hereditary; Tumor predisposition. Identifiers: Orphanet 140162, MedGen C0027672, MeSH D009386, MONDO:0015356.

Submission:

Ambry Genetics
Classification: Uncertain significance for Cardiovascular phenotype; Hereditary cancer-predisposing syndrome. Last evaluated: 2024-01-25. Review status: criteria provided, single submitter. Criteria: Ambry Variant Classification Scheme 2023. Collection method: clinical testing. Allele origin: germline.
Comment: The p.N184I variant (also known as c.551A>T), located in coding exon 5 of the NF1 gene, results from an A to T substitution at nucleotide position 551. The asparagine at codon 184 is replaced by isoleucine, an amino acid with dissimilar properties. This amino acid position is conserved. In addition, the in silico prediction for this alteration is inconclusive. Since supporting evidence is limited at this time, the clinical significance of this alteration remains unclear.

NM_001042492.3(NF1):c.551A>T (p.Asn184Ile)

Gene: NF1 (neurofibromin 1; plus strand). Cytogenetic location: 17q11.2.
Variant type: single nucleotide variant.
Coding change: c.551A>T on transcript NM_001042492.3 (MANE Select); coding-DNA position 551, A replaced by T.
Protein change: p.Asn184Ile; replaces asparagine 184 with isoleucine.
Molecular consequence: missense variant.
Genome position (GRCh38, 1-based): chr17:31,169,962, A>T. VCF-style: chr17-31169962-A-T. GRCh37 (hg19) VCF-style: chr17-29496980-A-T.
Other names: c.551A>T, p.Asn184Ile (NM_000267.4, NM_001128147.3); short protein forms N184I.
Identifiers: ClinVar variation 1748069 (VCV001748069.2), dbSNP rs876659849, ClinGen allele CA398985249.